The following is an entry in ClinVar:

NM_001005361.3(DNM2):c.2578A>C (p.Ile860Leu)

Gene: DNM2 (dynamin 2; plus strand). Cytogenetic location: 19p13.2.
Variant type: single nucleotide variant.
Coding change: c.2578A>C on transcript NM_001005361.3 (MANE Select); coding-DNA position 2578, A replaced by C.
Protein change: p.Ile860Leu; replaces isoleucine 860 with leucine.
Molecular consequence: missense variant.
Genome position (GRCh38, 1-based): chr19:10,831,012, A>C. VCF-style: chr19-10831012-A-C. GRCh37 (hg19) VCF-style: chr19-10941688-A-C.
Other names: c.2578A>C, p.Ile860Leu (NM_001005360.3); c.2566A>C, p.Ile856Leu (NM_001005362.3, NM_004945.4); c.2575A>C, p.Ile859Leu (NM_001190716.2); short protein forms I856L, I859L, I860L.
Identifiers: ClinVar variation 4802533 (VCV004802533.1).
Genomic context (GRCh38, chr19:10,831,012, plus strand): 5'-CCCACCTGTCTTTATTCTCTTTGCAGCAGAAGACCCCCTGCTGCGCCCAGCCGGCCCACC[A>C]TTATCCGCCCAGCCGAGCCATCCCTGCTCGACTAGGCCTCGAGGGGGGCGTGCTCTCGGG-3'
Protein context (NP_001005361.1, residues 850-870): RPPAAPSRPT[Ile860Leu]IRPAEPSLLD

ClinVar aggregate classification (germline): Uncertain significance (1 of 4 stars; one submission).

Conditions:
Charcot-Marie-Tooth disease dominant intermediate B (CMTDIB). Also called: CHARCOT-MARIE-TOOTH NEUROPATHY, DOMINANT INTERMEDIATE B; Charcot-Marie-Tooth disease dominant intermediate 1; CMT DI1; Charcot-Marie-Tooth disease dominant intermediate I. Identifiers: Orphanet 100044, Orphanet 228179, MedGen C1847902, MONDO:0011674, OMIM 606482.

Submission:

Labcorp Genetics (formerly Invitae), Labcorp
Classification: Uncertain significance for Charcot-Marie-Tooth disease dominant intermediate B. Last evaluated: 2025-02-13. Review status: criteria provided, single submitter. Criteria: Invitae Variant Classification Sherloc (09022015). Collection method: clinical testing. Allele origin: germline.
Comment: This sequence change replaces isoleucine, which is neutral and non-polar, with leucine, which is neutral and non-polar, at codon 860 of the DNM2 protein (p.Ile860Leu). This variant is not present in population databases (gnomAD no frequency). This variant has not been reported in the literature in individuals affected with DNM2-related conditions. Invitae Evidence Modeling of protein sequence and biophysical properties (such as structural, functional, and spatial information, amino acid conservation, physicochemical variation, residue mobility, and thermodynamic stability) indicates that this missense variant is not expected to disrupt DNM2 protein function with a negative predictive value of 95%. In summary, the available evidence is currently insufficient to determine the role of this variant in disease. Therefore, it has been classified as a Variant of Uncertain Significance.